The following is an entry in ClinVar:

NM_014874.4(MFN2):c.2222T>G (p.Leu741Trp)

Gene: MFN2 (mitofusin 2; plus strand). Cytogenetic location: 1p36.22.
Variant type: single nucleotide variant.
Coding change: c.2222T>G on transcript NM_014874.4 (MANE Select); coding-DNA position 2222, T replaced by G.
Protein change: p.Leu741Trp; replaces leucine 741 with tryptophan.
Molecular consequence: missense variant.
Genome position (GRCh38, 1-based): chr1:12,011,513, T>G. VCF-style: chr1-12011513-T-G. GRCh37 (hg19) VCF-style: chr1-12071570-T-G.
Other names: c.2222T>G, p.Leu741Trp (NM_001127660.2); short protein forms L741W.
Identifiers: ClinVar variation 476769 (VCV000476769.11), dbSNP rs1553146559, ClinGen allele CA338453887.

ClinVar aggregate classification (germline): Pathogenic. Review status: criteria provided, multiple submitters, no conflicts (2 of 4 stars). 3 submissions from 3 submitters: Pathogenic (2). 1 of the submissions does not count toward it. Last evaluated 2025-03-11.

Conditions:
Charcot-Marie-Tooth disease type 2. Also called: Charcot-Marie-Tooth type 2. Identifiers: Orphanet 64746, MedGen C0270914, MONDO:0018993.
Charcot-Marie-Tooth disease. Also called: Charcot-Marie-Tooth Neuropathy; Charcot-Marie-Tooth Hereditary Neuropathy. Identifiers: Orphanet 166, MedGen C0007959, MONDO:0015626.

Submissions (3):

Labcorp Genetics (formerly Invitae), Labcorp
Classification: Pathogenic for Charcot-Marie-Tooth disease type 2. Last evaluated: 2025-03-11. Review status: criteria provided, single submitter. Criteria: Invitae Variant Classification Sherloc (09022015). Collection method: clinical testing. Allele origin: germline.
Comment: This sequence change replaces leucine, which is neutral and non-polar, with tryptophan, which is neutral and slightly polar, at codon 741 of the MFN2 protein (p.Leu741Trp). This variant is not present in population databases (gnomAD no frequency). This missense change has been observed in individuals with autosomal dominant Charcot-Marie-Tooth disease (PMID: 29341354, 31127728). It has also been observed to segregate with disease in related individuals. ClinVar contains an entry for this variant (Variation ID: 476769). Invitae Evidence Modeling of protein sequence and biophysical properties (such as structural, functional, and spatial information, amino acid conservation, physicochemical variation, residue mobility, and thermodynamic stability) indicates that this missense variant is expected to disrupt MFN2 protein function with a positive predictive value of 95%. For these reasons, this variant has been classified as Pathogenic.

Athena Diagnostics
Classification: Pathogenic. Last evaluated: 2024-12-18. Review status: criteria provided, single submitter. Criteria: Athena Diagnostics Criteria. Collection method: clinical testing. Allele origin: unknown.
Comment: This variant has not been reported in large, multi-ethnic general populations. This variant segregates with disease in multiple families. Polyphen and MutationTaster predict this amino acid change may be damaging to the protein.

Inherited Neuropathy Consortium
Classification: Uncertain significance for Charcot-Marie-Tooth disease. Review status: no assertion criteria provided. Collection method: provider interpretation. Allele origin: inherited. Affected: yes. Not counted in ClinVar's aggregate classification.

Literature cited by the submitters: PubMed 29341354 (cited by 3 submitters); PubMed 31127728 (cited by Labcorp Genetics (formerly Invitae), Labcorp and Athena Diagnostics); PubMed 38789118 (cited by Athena Diagnostics); PubMed 25614874 (cited by Athena Diagnostics).